The following is an entry in ClinVar:

ClinVar aggregate classification (germline): Benign/Likely benign. Review status: criteria provided, multiple submitters, no conflicts (2 of 4 stars). 4 submissions from 4 submitters: Benign (3); Likely benign (1). Last evaluated 2026-01-28.

Conditions:
Inborn genetic diseases. Identifiers: MedGen C0950123, MeSH D030342.
Cortical dysplasia-focal epilepsy syndrome (PTHSL1). Also called: Pitt-Hopkins-like syndrome 1. Identifiers: Orphanet 163681, Orphanet 221150, MedGen C2750246, MONDO:0012400, OMIM 610042.

Allele frequency attached by ClinVar (database versions not stated): gnomAD 0.00028 and 0.00046; gnomAD exomes 0.00046 and 0.00092; TOPMed 0.00057; ExAC 0.00091; 1000 Genomes Project 30x 0.00219; 1000 Genomes Project 0.00260.
gnomAD v4.1: 739 of 1,614,088 alleles (0.046%); highest among the groups gnomAD compares: East Asian, 1.5%; 6 homozygotes.

Submissions (4):

Labcorp Genetics (formerly Invitae), Labcorp
Classification: Benign for Cortical dysplasia-focal epilepsy syndrome. Last evaluated: 2026-01-28. Review status: criteria provided, single submitter. Criteria: Invitae Variant Classification Sherloc (09022015). Collection method: clinical testing. Allele origin: germline.

Illumina Laboratory Services, Illumina
Classification: Benign for Cortical dysplasia-focal epilepsy syndrome. Last evaluated: 2017-04-27. Review status: criteria provided, single submitter. Criteria: ICSL Variant Classification Criteria 13 December 2019. Collection method: clinical testing. Allele origin: germline.
Comment: This variant was observed as part of a predisposition screen in an ostensibly healthy population. A literature search was performed for the gene, cDNA change, and amino acid change (where applicable). No publications were found based on this search. Allele frequency data from public databases was too high to be consistent with this variant causing disease. Therefore, this variant is classified as benign.

Ambry Genetics
Classification: Likely benign for Inborn genetic diseases. Last evaluated: 2016-06-10. Review status: criteria provided, single submitter. Criteria: Ambry Variant Classification Scheme 2023. Collection method: clinical testing. Allele origin: germline.

GeneDx
Classification: Benign. Last evaluated: 2014-03-04. Review status: criteria provided, single submitter. Criteria: GeneDx Variant Classification (06012015). Collection method: clinical testing. Allele origin: germline. Affected: yes.
Comment: This variant is considered likely benign or benign based on one or more of the following criteria: it is a conservative change, it occurs at a poorly conserved position in the protein, it is predicted to be benign by multiple in silico algorithms, and/or has population frequency not consistent with disease.

NM_014141.6(CNTNAP2):c.2895C>A (p.Gly965=)

Genes: CNTNAP2 (contactin associated protein 2; plus strand), LOC126860216 (BRD4-independent group 4 enhancer GRCh37_chr7:147868766-147869965; plus strand). Cytogenetic location: 7q35.
Variant type: single nucleotide variant.
Coding change: c.2895C>A on transcript NM_014141.6 (MANE Select); coding-DNA position 2895, C replaced by A.
Protein change: p.Gly965=; no amino-acid change (glycine 965 retained).
Molecular consequence: synonymous variant.
Genome position (GRCh38, 1-based): chr7:148,172,363, C>A. VCF-style: chr7-148172363-C-A. GRCh37 (hg19) VCF-style: chr7-147869455-C-A.
Other names: p.G965G:GGC>GGA.
Identifiers: ClinVar variation 136820 (VCV000136820.20), dbSNP rs75688908, ClinGen allele CA290178.
Genomic context (GRCh38, chr7:148,172,363, plus strand): 5'-GACACTTGACCTGGAGGAAAGAGCAAAGGTCACATCTGGGTTCATATCCGGATGCTCGGG[C>A]CATTGCACCAGCTATGGAACAAACTGTGAAAATGGAGGCAAATGCCTAGAGAGATACCAC-3'
Protein context (NP_054860.1, residues 955-975): VTSGFISGCS[Gly965=]HCTSYGTNCE